The following is an entry in ClinVar:

NM_000059.4(BRCA2):c.2884C>T (p.His962Tyr)

Gene: BRCA2 (BRCA2 DNA repair associated; plus strand). Cytogenetic location: 13q13.1.
Variant type: single nucleotide variant.
Coding change: c.2884C>T on transcript NM_000059.4 (MANE Select); coding-DNA position 2884, C replaced by T.
Protein change: p.His962Tyr; replaces histidine 962 with tyrosine.
Molecular consequence: missense variant.
Genome position (GRCh38, 1-based): chr13:32,337,239, C>T. VCF-style: chr13-32337239-C-T. GRCh37 (hg19) VCF-style: chr13-32911376-C-T.
Other names: short protein forms H962Y.
Identifiers: ClinVar variation 462280 (VCV000462280.26), dbSNP rs755777807, ClinGen allele CA6940639.

ClinVar aggregate classification (germline): Likely benign. Review status: criteria provided, multiple submitters, no conflicts (2 of 4 stars). 6 submissions from 6 submitters: Likely benign (5). 1 of the submissions does not count toward it. Last evaluated 2025-08-14.

Conditions:
BRCA2-related cancer predisposition. Identifiers: MedGen CN377758, MONDO:0700269.
Hereditary cancer-predisposing syndrome. Also called: Hereditary neoplastic syndrome; Neoplastic Syndromes, Hereditary; Tumor predisposition; Hereditary Cancer Syndrome. Identifiers: Orphanet 140162, MedGen C0027672, MeSH D009386, MONDO:0015356.
Hereditary breast ovarian cancer syndrome. Also called: Hereditary breast and/or ovarian cancer syndrome; BRCA1- and BRCA2-Associated Hereditary Breast and Ovarian Cancer; Hereditary breast and ovarian cancer; Breast and ovarian cancer; Hereditary breast and ovarian cancer syndrome; Hereditary breast and ovarian cancer syndrome (HBOC). Identifiers: Orphanet 145, MedGen C0677776, MeSH D061325, MONDO:0003582. Disease mechanism: loss of function.
Breast-ovarian cancer, familial, susceptibility to, 2 (BROVCA2). Also called: BRCA2 Hereditary Breast and Ovarian Cancer. Identifiers: Orphanet 145, MedGen C2675520, MONDO:0012933, OMIM 612555. Disease mechanism: loss of function.

Allele frequency attached by ClinVar (database versions not stated): gnomAD 0.00005 and 0.00004; gnomAD exomes 0.00005 and 0.00010; ExAC 0.00009; TOPMed below 0.00001.
gnomAD v4.1: 40 of 1,611,426 alleles (0.0025%); highest among the groups gnomAD compares: African/African-American, 0.0013%; no homozygotes.

Submissions (6):

Labcorp Genetics (formerly Invitae), Labcorp
Classification: Likely benign for Hereditary breast ovarian cancer syndrome. Last evaluated: 2025-08-14. Review status: criteria provided, single submitter. Criteria: Invitae Variant Classification Sherloc (09022015). Collection method: clinical testing. Allele origin: germline.

Ambry Genetics
Classification: Likely benign for Hereditary cancer-predisposing syndrome. Last evaluated: 2025-03-03. Review status: criteria provided, single submitter. Criteria: Ambry Variant Classification Scheme 2023. Collection method: clinical testing. Allele origin: germline.

All of Us Research Program, National Institutes of Health
Classification: Likely benign for BRCA2-related cancer predisposition. Last evaluated: 2024-05-14. Review status: criteria provided, single submitter. Criteria: ACMG Guidelines, 2015. Collection method: clinical testing. Allele origin: germline. Inheritance: Autosomal dominant inheritance. Observed: 3 variant alleles, 3 heterozygotes.
Comment: This study involves interpretation of variants in research participants for the purpose of population health screening. Participant phenotype was not available at the time of variant classification. Additional details can be found in publication PMID: 35346344, PMCID: PMC8962531

University of Washington Department of Laboratory Medicine, University of Washington
Classification: Likely benign for Hereditary cancer-predisposing syndrome. Last evaluated: 2023-03-23. Review status: criteria provided, single submitter. Criteria: Dines et al. (Genet Med. 2020). Collection method: curation. Allele origin: germline.
Comment: Missense variant in a coldspot region where missense variants are very unlikely to be pathogenic (PMID:31911673).

BRCA2 exon 11 coldspot. Reclassification based on statistical prior probability.

Color Diagnostics, LLC DBA Color Health
Classification: Likely benign for Hereditary cancer-predisposing syndrome. Last evaluated: 2021-06-10. Review status: criteria provided, single submitter. Criteria: ACMG Guidelines, 2015. Collection method: clinical testing. Allele origin: germline.

BRCAlab, Lund University
Classification: Uncertain significance for Breast-ovarian cancer, familial, susceptibility to, 2. Last evaluated: 2020-03-02. Review status: no assertion criteria provided. Collection method: clinical testing. Allele origin: germline. Affected: yes. Not counted in ClinVar's aggregate classification.

Literature cited by the submitters: PubMed 17301269 (cited by Ambry Genetics).